The following is an entry in ClinVar:

ClinVar aggregate classification (germline): Benign (1 of 4 stars; one submission).

Allele frequency attached by ClinVar (database versions not stated): gnomAD 0.01730; TOPMed 0.01888; 1000 Genomes Project 0.01937; 1000 Genomes Project 30x 0.02202.
gnomAD v4.1: 2,451 of 151,302 alleles (1.6%); highest among the groups gnomAD compares: African/African-American, 5.5%; 70 homozygotes.

Submission:

GeneDx
Classification: Benign. Last evaluated: 2018-06-14. Review status: criteria provided, single submitter. Criteria: GeneDx Variant Classification (06012015). Collection method: clinical testing. Allele origin: germline. Affected: yes.
Comment: This variant is considered likely benign or benign based on one or more of the following criteria: it is a conservative change, it occurs at a poorly conserved position in the protein, it is predicted to be benign by multiple in silico algorithms, and/or has population frequency not consistent with disease.

NM_000089.4(COL1A2):c.2026-318C>G

Gene: COL1A2 (collagen type I alpha 2 chain; plus strand). Cytogenetic location: 7q21.3.
Variant type: single nucleotide variant.
Coding change: c.2026-318C>G on transcript NM_000089.4 (MANE Select); 318 bases into the intron before coding-DNA position 2026, C replaced by G.
Molecular consequence: intron variant.
Genome position (GRCh38, 1-based): chr7:94,419,180, C>G. VCF-style: chr7-94419180-C-G. GRCh37 (hg19) VCF-style: chr7-94048492-C-G.
Identifiers: ClinVar variation 672766 (VCV000672766.1), dbSNP rs79051306, ClinGen allele CA162931886.